The following is an entry in ClinVar:

ClinVar aggregate classification (germline): Uncertain significance (1 of 4 stars; one submission).

Submission:

Labcorp Genetics (formerly Invitae), Labcorp
Classification: Uncertain significance. Last evaluated: 2025-09-27. Review status: criteria provided, single submitter. Criteria: Invitae Variant Classification Sherloc (09022015). Collection method: clinical testing. Allele origin: germline.
Comment: This sequence change replaces glycine, which is neutral and non-polar, with arginine, which is basic and polar, at codon 177 of the KIF20A protein (p.Gly177Arg). This variant is not present in population databases (gnomAD no frequency). This variant has not been reported in the literature in individuals affected with KIF20A-related conditions. An algorithm developed to predict the effect of missense changes on protein structure and function (PolyPhen-2) suggests that this variant is likely to be tolerated. In summary, the available evidence is currently insufficient to determine the role of this variant in disease. Therefore, it has been classified as a Variant of Uncertain Significance.

NM_005733.3(KIF20A):c.529G>A (p.Gly177Arg)

Gene: KIF20A (kinesin family member 20A; plus strand). Cytogenetic location: 5q31.2.
Variant type: single nucleotide variant.
Coding change: c.529G>A on transcript NM_005733.3 (MANE Select); coding-DNA position 529, G replaced by A.
Protein change: p.Gly177Arg; replaces glycine 177 with arginine.
Molecular consequence: missense variant.
Genome position (GRCh38, 1-based): chr5:138,182,600, G>A. VCF-style: chr5-138182600-G-A. GRCh37 (hg19) VCF-style: chr5-137518289-G-A.
Other names: short protein forms G177R.
Identifiers: ClinVar variation 4766288 (VCV004766288.1).